The following is an entry in ClinVar:

NM_005902.4(SMAD3):c.261C>T (p.Ile87=)

Gene: SMAD3 (SMAD family member 3; plus strand). Cytogenetic location: 15q22.33.
Variant type: single nucleotide variant.
Coding change: c.261C>T on transcript NM_005902.4 (MANE Select); coding-DNA position 261, C replaced by T.
Protein change: p.Ile87=; no amino-acid change (isoleucine 87 retained).
Molecular consequence: synonymous variant. On other transcripts: 5 prime UTR variant (1).
Genome position (GRCh38, 1-based): chr15:67,164,949, C>T. VCF-style: chr15-67164949-C-T. GRCh37 (hg19) VCF-style: chr15-67457287-C-T.
Other names: c.-55C>T (NM_001145102.2); c.129C>T, p.Ile43= (NM_001145103.2).
Identifiers: ClinVar variation 766471 (VCV000766471.14), dbSNP rs1421383761, ClinGen allele CA392953859.

ClinVar aggregate classification (germline): Likely benign. Review status: criteria provided, multiple submitters, no conflicts (2 of 4 stars). 4 submissions from 4 submitters: Likely benign (4). Last evaluated 2024-04-30.

Conditions:
Aneurysm-osteoarthritis syndrome. Also called: SMAD3-Related Loeys-Dietz Syndrome; ANEURYSMS-OSTEOARTHRITIS SYNDROME; Loeys-Dietz syndrome, type 1C; LOEYS-DIETZ SYNDROME WITH OSTEOARTHRITIS. Identifiers: Orphanet 284984, MedGen C3151087, MONDO:0013426, OMIM 613795.
Familial thoracic aortic aneurysm and aortic dissection (TAAD). Also called: Thoracic aortic aneurysms and dissections. Identifiers: Orphanet 91387, MedGen C4707243, MONDO:0019625.

Allele frequency attached by ClinVar (database versions not stated): gnomAD exomes below 0.00001.
gnomAD v4.1: 5 of 1,613,876 alleles (0.00031%); highest among the groups gnomAD compares: African/African-American, 0.0013%; no homozygotes.

Submissions (4):

Labcorp Genetics (formerly Invitae), Labcorp
Classification: Likely benign for Familial thoracic aortic aneurysm and aortic dissection. Last evaluated: 2024-04-30. Review status: criteria provided, single submitter. Criteria: Invitae Variant Classification Sherloc (09022015). Collection method: clinical testing. Allele origin: germline.

Ambry Genetics
Classification: Likely benign for Familial thoracic aortic aneurysm and aortic dissection. Last evaluated: 2023-11-04. Review status: criteria provided, single submitter. Criteria: Ambry Variant Classification Scheme 2023. Collection method: clinical testing. Allele origin: germline.

All of Us Research Program, National Institutes of Health
Classification: Likely benign for Aneurysm-osteoarthritis syndrome. Last evaluated: 2023-05-16. Review status: criteria provided, single submitter. Criteria: ACMG Guidelines, 2015. Collection method: clinical testing. Allele origin: germline. Inheritance: Autosomal dominant inheritance. Observed: 1 variant allele, 1 heterozygote.
Comment: This study involves interpretation of variants in research participants for the purpose of population health screening. Participant phenotype was not available at the time of variant classification. Additional details can be found in publication PMID: 35346344, PMCID: PMC8962531

Color Diagnostics, LLC DBA Color Health
Classification: Likely benign for Familial thoracic aortic aneurysm and aortic dissection. Last evaluated: 2019-07-09. Review status: criteria provided, single submitter. Criteria: ACMG Guidelines, 2015. Collection method: clinical testing. Allele origin: germline.